The following is an entry in ClinVar:

ClinVar aggregate classification (germline): Uncertain significance (1 of 4 stars; one submission).

Conditions:
Adult-onset proximal spinal muscular atrophy, autosomal dominant. Also called: Spinal muscular atrophy, late-onset, finkel type; FINKEL LATE-ADULT TYPE SMA. Identifiers: Orphanet 209335, MedGen C1854058, MONDO:0008453, OMIM 182980.
Amyotrophic lateral sclerosis type 8 (ALS8). Identifiers: Orphanet 803, MedGen C1837728, MONDO:0012077, OMIM 608627.

gnomAD v4.1: 1 of 1,613,980 alleles (0.000062%); highest among the groups gnomAD compares: Non-Finnish European, 0.000085%; no homozygotes.

Submission:

Labcorp Genetics (formerly Invitae), Labcorp
Classification: Uncertain significance for Adult-onset proximal spinal muscular atrophy, autosomal dominant; Amyotrophic lateral sclerosis type 8. Last evaluated: 2025-09-30. Review status: criteria provided, single submitter. Criteria: Invitae Variant Classification Sherloc (09022015). Collection method: clinical testing. Allele origin: germline.
Comment: This sequence change replaces proline, which is neutral and non-polar, with serine, which is neutral and polar, at codon 35 of the VAPB protein (p.Pro35Ser). This variant is not present in population databases (gnomAD no frequency). This variant has not been reported in the literature in individuals affected with VAPB-related conditions. Invitae Evidence Modeling of protein sequence and biophysical properties (such as structural, functional, and spatial information, amino acid conservation, physicochemical variation, residue mobility, and thermodynamic stability) indicates that this missense variant is expected to disrupt VAPB protein function with a positive predictive value of 80%. In summary, the available evidence is currently insufficient to determine the role of this variant in disease. Therefore, it has been classified as a Variant of Uncertain Significance.

NM_004738.5(VAPB):c.103C>T (p.Pro35Ser)

Gene: VAPB (VAMP associated protein B and C; plus strand). Cytogenetic location: 20q13.32.
Variant type: single nucleotide variant.
Coding change: c.103C>T on transcript NM_004738.5 (MANE Select); coding-DNA position 103, C replaced by T.
Protein change: p.Pro35Ser; replaces proline 35 with serine.
Molecular consequence: missense variant. On other transcripts: non-coding transcript variant (1).
Genome position (GRCh38, 1-based): chr20:58,418,255, C>T. VCF-style: chr20-58418255-C-T. GRCh37 (hg19) VCF-style: chr20-56993311-C-T.
Other names: c.103C>T, p.Pro35Ser (NM_001195677.2); short protein forms P35S.
Identifiers: ClinVar variation 4792932 (VCV004792932.1).